The following is an entry in ClinVar:

ClinVar aggregate classification (germline): Benign/Likely benign. Review status: criteria provided, multiple submitters, no conflicts (2 of 4 stars). 7 submissions from 6 submitters: Benign (4); Likely benign (2). 1 of the submissions does not count toward it. Last evaluated 2026-01-18.

Conditions:
Baraitser-Winter syndrome 1 (BRWS1). Also called: BARAITSER-WINTER SYNDROME 1, ATYPICAL; Cerebrofrontofacial syndrome; PACHYGYRIA, MENTAL RETARDATION, EPILEPSY, AND CHARACTERISTIC FACIES; MENTAL RETARDATION WITH EPILEPSY AND CHARACTERISTIC FACIES. Identifiers: Orphanet 2649, Orphanet 2995, MedGen C1855722, MONDO:0009470, OMIM 243310.
ACTB-related disorder. Also called: ACTB-related condition; ACTB-related disorders.
Developmental malformations-deafness-dystonia syndrome (DDS1). Identifiers: Orphanet 79107, MedGen C5848323, MONDO:0011823, OMIM 607371.

Allele frequency attached by ClinVar (database versions not stated): 1000 Genomes Project 0.00060; 1000 Genomes Project 30x 0.00094; ESP Exome Variant Server 0.00138; TOPMed 0.00139.
gnomAD v4.1: 352 of 1,614,074 alleles (0.022%); highest among the groups gnomAD compares: African/African-American, 0.45%; 1 homozygote.

Submissions (7):

Labcorp Genetics (formerly Invitae), Labcorp
Classification: Benign for Baraitser-Winter syndrome 1. Last evaluated: 2026-01-18. Review status: criteria provided, single submitter. Criteria: Invitae Variant Classification Sherloc (09022015). Collection method: clinical testing. Allele origin: germline.

CeGaT Center for Human Genetics Tuebingen
Classification: Likely benign. Last evaluated: 2024-08-01. Review status: criteria provided, single submitter. Criteria: CeGaT Center For Human Genetics Tuebingen Variant Classification Criteria Version 2. Collection method: clinical testing. Allele origin: germline. Affected: yes. Observed: 1 variant allele.
Comment: ACTB: BP4, BP7, BS1

Blueprint Genetics
Classification: Likely benign. Last evaluated: 2024-05-31. Review status: criteria provided, single submitter. Criteria: ACMG Guidelines, 2015. Collection method: clinical testing. Allele origin: germline.

Genome-Nilou Lab
Classification: Benign for Baraitser-Winter syndrome 1. Last evaluated: 2021-12-05. Review status: criteria provided, single submitter. Criteria: ACMG Guidelines, 2015. Collection method: clinical testing. Allele origin: germline. Affected: no.

Genome-Nilou Lab
Classification: Benign for Developmental malformations-deafness-dystonia syndrome. Last evaluated: 2021-12-05. Review status: criteria provided, single submitter. Criteria: ACMG Guidelines, 2015. Collection method: clinical testing. Allele origin: germline. Affected: no.

GeneDx
Classification: Benign. Last evaluated: 2018-09-06. Review status: criteria provided, single submitter. Criteria: GeneDx Variant Classification Process June 2021. Collection method: clinical testing. Allele origin: germline. Affected: yes.

PreventionGenetics, part of Exact Sciences
Classification: Likely benign for ACTB-related condition. Last evaluated: 2020-02-12. Review status: no assertion criteria provided. Collection method: clinical testing. Allele origin: germline. Not counted in ClinVar's aggregate classification.
Comment: This variant is classified as likely benign based on ACMG/AMP sequence variant interpretation guidelines (Richards et al. 2015 PMID: 25741868, with internal and published modifications).

NM_001101.5(ACTB):c.609G>C (p.Thr203=)

Gene: ACTB (actin beta; minus strand). Cytogenetic location: 7p22.1.
Variant type: single nucleotide variant.
Coding change: c.609G>C on transcript NM_001101.5 (MANE Select); coding-DNA position 609, G replaced by C.
Protein change: p.Thr203=; no amino-acid change (threonine 203 retained).
Molecular consequence: synonymous variant.
Genome position (GRCh38, 1-based): chr7:5,528,474, C>G on the plus strand (G>C on the coding strand, the complement: ACTB is on the minus strand). VCF-style: chr7-5528474-C-G. GRCh37 (hg19) VCF-style: chr7-5568105-C-G.
Identifiers: ClinVar variation 696765 (VCV000696765.31), dbSNP rs148292298, ClinGen allele CA4146982.
Genomic context (GRCh38, chr7:5,528,474, plus strand): 5'-GAAGTCCAGGGCGACGTAGCACAGCTTCTCCTTAATGTCACGCACGATTTCCCGCTCGGC[C>G]GTGGTGGTGAAGCTGTAGCCGCGCTCGGTGAGGATCTTCATGAGGTAGTCAGTCAGGTCC-3'
Protein context (NP_001092.1, residues 193-213): LTERGYSFTT[Thr203=]AEREIVRDIK